The following is an entry in ClinVar:

ClinVar aggregate classification (germline): Pathogenic (1 of 4 stars; one submission).

Conditions:
Lysinuric protein intolerance (LPI). Identifiers: Orphanet 470, MedGen C0268647, MONDO:0009109, OMIM 222700.

Submission:

Labcorp Genetics (formerly Invitae), Labcorp
Classification: Pathogenic for Lysinuric protein intolerance. Last evaluated: 2025-02-16. Review status: criteria provided, single submitter. Criteria: Invitae Variant Classification Sherloc (09022015). Collection method: clinical testing. Allele origin: germline.
Comment: This sequence change creates a premature translational stop signal (p.Val204Aspfs*72) in the SLC7A7 gene. It is expected to result in an absent or disrupted protein product. Loss-of-function variants in SLC7A7 are known to be pathogenic (PMID: 10631139, 17764084). This variant is not present in population databases (gnomAD no frequency). This variant has not been reported in the literature in individuals affected with SLC7A7-related conditions. For these reasons, this variant has been classified as Pathogenic.

Literature cited by the submitters: PubMed 10631139; PubMed 17764084.

NM_003982.4(SLC7A7):c.609_612del (p.Val204fs)

Gene: SLC7A7 (solute carrier family 7 member 7; minus strand). Cytogenetic location: 14q11.2.
Variant type: Deletion.
Coding change: c.609_612del on transcript NM_003982.4 (MANE Select); coding-DNA positions 609 to 612, 4 bases deleted (TGTT; older notation c.609_612delTGTT).
Protein change: p.Val204fs; shifts the reading frame from valine 204.
Molecular consequence: frameshift variant.
Genome position (GRCh38, 1-based): chr14:22,779,939-22,779,942, AACA deleted on the plus strand (TGTT on the coding strand, the reverse complement: SLC7A7 is on the minus strand); deleting any 4 consecutive bases within chr14:22,779,939-22,779,943 gives the same sequence; the c. name uses the placement nearest the transcript's 3' end. VCF-style (leftmost placement, unchanged base first): chr14-22779938-TAACA-T. GRCh37 (hg19) VCF-style: chr14-23249147-TAACA-T.
Other names: c.609_612del, p.Val204fs (NM_001126105.3, NM_001126106.4); short protein forms V204fs.
Identifiers: ClinVar variation 4799280 (VCV004799280.1).